The following is an entry in ClinVar:

NM_198060.4(NRAP):c.4504C>T (p.Arg1502Ter)

Gene: NRAP (nebulin related anchoring protein; minus strand). Cytogenetic location: 10q25.3.
Variant type: single nucleotide variant.
Coding change: c.4504C>T on transcript NM_198060.4 (MANE Select); coding-DNA position 4504, C replaced by T.
Protein change: p.Arg1502Ter; replaces arginine 1502 with a stop codon.
Molecular consequence: nonsense.
Genome position (GRCh38, 1-based): chr10:113,595,655, G>A on the plus strand (C>T on the coding strand, the complement: NRAP is on the minus strand). VCF-style: chr10-113595655-G-A. GRCh37 (hg19) VCF-style: chr10-115355414-G-A.
Other names: NRAP, ARG1502TER (rs201084642); c.4504C>T, p.Arg1502Ter (NM_001261463.2); c.4396C>T, p.Arg1466Ter (NM_001322945.2); c.4399C>T, p.Arg1467Ter (NM_006175.5); short protein forms R1466*, R1467*, R1502*.
Identifiers: ClinVar variation 1320507 (VCV001320507.4), dbSNP rs201084642, ClinGen allele CA5694401.

ClinVar aggregate classification (germline): Conflicting classifications of pathogenicity. Review status: criteria provided, conflicting classifications (1 of 4 stars). 3 submissions from 3 submitters: Pathogenic (1); Uncertain significance (1). 1 of the submissions does not count toward it. Last evaluated 2024-11-18.

Conditions:
NRAP-related disorder. Also called: NRAP-related condition.
CARDIOMYOPATHY, DILATED, 2N (CMD2N). Identifiers: MedGen CN381645, OMIM 621595.

Allele frequency attached by ClinVar (database versions not stated): ESP Exome Variant Server 0.00008; TOPMed 0.00010; gnomAD 0.00023 and 0.00024; ExAC 0.00026; gnomAD exomes 0.00029.
gnomAD v4.1: 289 of 1,613,488 alleles (0.018%); highest among the groups gnomAD compares: Non-Finnish European, 0.018%; no homozygotes.

Submissions (3):

Blueprint Genetics
Classification: Pathogenic for NRAP-related disorders. Last evaluated: 2024-11-18. Review status: criteria provided, single submitter. Criteria: ACMG Guidelines, 2015. Collection method: clinical testing. Allele origin: germline. Affected: yes. Observed: 5 variant alleles.

GeneDx
Classification: Uncertain significance. Last evaluated: 2020-12-08. Review status: criteria provided, single submitter. Criteria: GeneDx Variant Classification Process June 2021. Collection method: clinical testing. Allele origin: germline. Affected: yes.
Comment: Identified in the homozygous state in a patient with dilated cardiomyopathy, and also homozygous in this individual's unaffected sibling (Tuszkowska et al., 2017); Nonsense variant predicted to result in protein truncation or nonsense mediated decay in a gene for which loss-of-function is not a known mechanism of disease; Variants in candidate genes are classified as variants of uncertain significance in accordance with ACMG guidelines (Richards et al., 2015); This variant is associated with the following publications: (PMID: 28611399, 33534821)

OMIM
Classification: Pathogenic for CARDIOMYOPATHY, DILATED, 2N. Last evaluated: 2026-05-18. Review status: no assertion criteria provided. Collection method: literature only. Allele origin: germline. Not counted in ClinVar's aggregate classification.

Literature cited by the submitters: PubMed 28611399 (cited by OMIM); PubMed 33534821 (cited by OMIM).